The following is an entry in ClinVar:

ClinVar aggregate classification (germline): Uncertain significance (1 of 4 stars; one submission).

Conditions:
Ataxia-telangiectasia syndrome (AT). Also called: Ataxia-telangiectasia, complementation group E; Cerebello-oculocutaneous telangiectasia; Immunodeficiency with ataxia telangiectasia; ATAXIA-TELANGIECTASIA, COMPLEMENTATION GROUP A; ATAXIA-TELANGIECTASIA, FRESNO VARIANT; Ataxia-telangiectasia, complementation group D. Identifiers: Orphanet 100, MedGen C0004135, MONDO:0008840, OMIM 208900.

Submission:

Labcorp Genetics (formerly Invitae), Labcorp
Classification: Uncertain significance for Ataxia-telangiectasia syndrome. Last evaluated: 2020-10-27. Review status: criteria provided, single submitter. Criteria: Invitae Variant Classification Sherloc (09022015). Collection method: clinical testing. Allele origin: germline.
Comment: In summary, the available evidence is currently insufficient to determine the role of this variant in disease. Therefore, it has been classified as a Variant of Uncertain Significance. This variant has not been reported in the literature in individuals with ATM-related conditions. This variant is not present in population databases (ExAC no frequency). This variant, c.5134_5136del, results in the deletion of one amino acid(s) of the ATM protein (p.Phe1712del), but otherwise preserves the integrity of the reading frame.

NM_000051.4(ATM):c.5134_5136del (p.Phe1712del)

Gene: ATM (ATM serine/threonine kinase; plus strand). Cytogenetic location: 11q22.3.
Variant type: Deletion.
Coding change: c.5134_5136del on transcript NM_000051.4 (MANE Select); coding-DNA positions 5134 to 5136, 3 bases deleted (TTC; older notation c.5134_5136delTTC).
Protein change: p.Phe1712del; deletes phenylalanine 1712.
Molecular consequence: inframe deletion.
Genome position (GRCh38, 1-based): chr11:108,299,842-108,299,844, TTC deleted; deleting any 3 consecutive bases within chr11:108,299,841-108,299,844 gives the same sequence; the c. name uses the placement nearest the transcript's 3' end. VCF-style (leftmost placement, unchanged base first): chr11-108299840-CCTT-C. GRCh37 (hg19) VCF-style: chr11-108170567-CCTT-C.
Other names: c.5134_5136del, p.Phe1712del (NM_001351834.2); short protein forms F1712del.
Identifiers: ClinVar variation 1522527 (VCV001522527.8), dbSNP rs2135891905, ClinGen allele CA2573146477.